The following is an entry in ClinVar:

ClinVar aggregate classification (germline): Uncertain significance (1 of 4 stars; one submission).

Submission:

GeneDx
Classification: Uncertain significance. Last evaluated: 2025-03-19. Review status: criteria provided, single submitter. Criteria: GeneDx Variant Classification Process June 2021. Collection method: clinical testing. Allele origin: germline. Affected: yes.
Comment: Not observed at significant frequency in large population cohorts (gnomAD); In silico analysis indicates that this missense variant does not alter protein structure/function; Has not been previously published as pathogenic or benign to our knowledge

NM_152296.5(ATP1A3):c.1452G>T (p.Glu484Asp)

Gene: ATP1A3 (ATPase Na+/K+ transporting subunit alpha 3; minus strand). Cytogenetic location: 19q13.2.
Variant type: single nucleotide variant.
Coding change: c.1452G>T on transcript NM_152296.5 (MANE Select); coding-DNA position 1452, G replaced by T.
Protein change: p.Glu484Asp; replaces glutamic acid 484 with aspartic acid.
Molecular consequence: missense variant.
Genome position (GRCh38, 1-based): chr19:41,978,784, C>A on the plus strand (G>T on the coding strand, the complement: ATP1A3 is on the minus strand). VCF-style: chr19-41978784-C-A. GRCh37 (hg19) VCF-style: chr19-42482936-C-A.
Other names: c.1485G>T, p.Glu495Asp (NM_001256213.2); c.1491G>T, p.Glu497Asp (NM_001256214.2); short protein forms E484D, E495D, E497D.
Identifiers: ClinVar variation 3600676 (VCV003600676.2).